The following is an entry in ClinVar:

NM_001042492.3(NF1):c.2843A>G (p.Gln948Arg)

Gene: NF1 (neurofibromin 1; plus strand). Cytogenetic location: 17q11.2.
Variant type: single nucleotide variant.
Coding change: c.2843A>G on transcript NM_001042492.3 (MANE Select); coding-DNA position 2843, A replaced by G.
Protein change: p.Gln948Arg; replaces glutamine 948 with arginine.
Molecular consequence: missense variant.
Genome position (GRCh38, 1-based): chr17:31,229,458, A>G. VCF-style: chr17-31229458-A-G. GRCh37 (hg19) VCF-style: chr17-29556476-A-G.
Other names: c.2843A>G, p.Gln948Arg (NM_000267.4); short protein forms Q948R.
Identifiers: ClinVar variation 1356708 (VCV001356708.6), dbSNP rs746384536, ClinGen allele CA8486029.

ClinVar aggregate classification (germline): Uncertain significance (1 of 4 stars; one submission).

Conditions:
Neurofibromatosis, type 1 (NF1). Also called: NEUROFIBROMATOSIS, TYPE I, SOMATIC; VON RECKLINGHAUSEN DISEASE; Neurofibromatosis, type I; Peripheral type neurofibromatosis. Identifiers: Orphanet 636, MedGen C0027831, MONDO:0018975, OMIM 162200. Disease mechanism: loss of function.

Allele frequency attached by ClinVar (database versions not stated): gnomAD exomes 0.00001 and 0.00002; ExAC 0.00002.
gnomAD v4.1: 7 of 1,613,614 alleles (0.00043%); no homozygotes.

Submission:

Labcorp Genetics (formerly Invitae), Labcorp
Classification: Uncertain significance for Neurofibromatosis, type 1. Last evaluated: 2021-12-24. Review status: criteria provided, single submitter. Criteria: Invitae Variant Classification Sherloc (09022015). Collection method: clinical testing. Allele origin: germline.
Comment: This sequence change replaces glutamine, which is neutral and polar, with arginine, which is basic and polar, at codon 948 of the NF1 protein (p.Gln948Arg). This variant is present in population databases (rs746384536, gnomAD 0.02%). This variant has not been reported in the literature in individuals affected with NF1-related conditions. Algorithms developed to predict the effect of missense changes on protein structure and function are either unavailable or do not agree on the potential impact of this missense change (SIFT: "Tolerated"; PolyPhen-2: "Probably Damaging"; Align-GVGD: "Class C0"). In summary, the available evidence is currently insufficient to determine the role of this variant in disease. Therefore, it has been classified as a Variant of Uncertain Significance.